The following is an entry in ClinVar:

NM_000094.4(COL7A1):c.2783_2784insGACAC (p.Gln929fs)

Gene: COL7A1 (collagen type VII alpha 1 chain; minus strand). Cytogenetic location: 3p21.31.
Variant type: Microsatellite.
Coding change: c.2783_2784insGACAC on transcript NM_000094.4 (MANE Select); coding-DNA positions 2783 to 2784, GACAC inserted.
Protein change: p.Gln929fs; shifts the reading frame from glutamine 929.
Molecular consequence: frameshift variant.
Genome position: GRCh38 VCF-style: chr3-48587866-T-TGTGTC. GRCh37 (hg19) VCF-style: chr3-48625299-T-TGTGTC.
Other names: c.2783_2784insGACAC (NM_000094.3); short protein forms Q929fs.
Identifiers: ClinVar variation 1048001 (VCV001048001.12), dbSNP rs2045388619.

ClinVar aggregate classification (germline): Pathogenic. Review status: criteria provided, multiple submitters, no conflicts (2 of 4 stars). 6 submissions from 6 submitters: Pathogenic (6). Last evaluated 2025-03-04.

Conditions:
Recessive dystrophic epidermolysis bullosa (RDEB). Also called: severe generalized recessive dystrophic epidermolysis bullosa; EPIDERMOLYSIS BULLOSA DYSTROPHICA, GENERALIZED SEVERE, AUTOSOMAL RECESSIVE; Epidermolysis Bullosa Distrophica Autosomal Recessive (RDEB); DYSTROPHIC EPIDERMOLYSIS BULLOSA, AUTOSOMAL RECESSIVE; EPIDERMOLYSIS BULLOSA DYSTROPHICA, HALLOPEAU-SIEMENS TYPE; epidermolysis bullosa dystrophica, autosomal recessive. Identifiers: Orphanet 79408, Orphanet 79409, MedGen C0079474, MONDO:0009179, OMIM 226600.
Generalized dominant dystrophic epidermolysis bullosa (DDEB). Also called: DDEB, generalized; DDEB-gen; DYSTROPHIC EPIDERMOLYSIS BULLOSA, AUTOSOMAL DOMINANT; Epidermolysis bullosa dystrophica, autosomal dominant; Dominant DEB (DDEB). Identifiers: Orphanet 231568, MedGen C0432322, MONDO:0007549, OMIM 131750.
Epidermolysis bullosa dystrophica. Also called: Dystrophic epidermolysis bullosa, Hallopeau-Siemens type (formerly); Dystrophic epidermolysis bullosa. Identifiers: Orphanet 303, MedGen C0079294, MONDO:0006543.

Submissions (6):

Labcorp Genetics (formerly Invitae), Labcorp
Classification: Pathogenic. Last evaluated: 2025-03-04. Review status: criteria provided, single submitter. Criteria: Invitae Variant Classification Sherloc (09022015). Collection method: clinical testing. Allele origin: germline.
Comment: This sequence change creates a premature translational stop signal (p.Gln929Thrfs*6) in the COL7A1 gene. It is expected to result in an absent or disrupted protein product. Loss-of-function variants in COL7A1 are known to be pathogenic (PMID: 16971478). This variant is not present in population databases (gnomAD no frequency). This premature translational stop signal has been observed in individual(s) with autosomal recessive dystrophic epidermolysis bullosa (PMID: 29473190, 31001817). For these reasons, this variant has been classified as Pathogenic.

Myriad Genetics, Inc.
Classification: Pathogenic for Recessive dystrophic epidermolysis bullosa. Last evaluated: 2024-09-16. Review status: criteria provided, single submitter. Criteria: Myriad Autosomal Dominant, Autosomal Recessive and X-Linked Classification Criteria (2023). Collection method: clinical testing. Allele origin: unknown.
Comment: NM_000094.3(COL7A1):c.2783_2784ins5(Q929Tfs*6) is expected to be pathogenic in the context of dystrophic epidermolysis bullosa. This variant is predicted to lead to an abnormal or absent protein product due to the creation of a premature termination codon in COL7A1, a gene where loss-of-function variants are known to be pathogenic. Please note: this variant was assessed in the context of healthy population screening.

3billion
Classification: Pathogenic for Recessive dystrophic epidermolysis bullosa. Last evaluated: 2024-08-17. Review status: criteria provided, single submitter. Criteria: ACMG Guidelines, 2015. Collection method: clinical testing. Allele origin: germline. Affected: yes.
Comment: The variant is observed at an extremely low frequency in the gnomAD v4.0.0 dataset (total allele frequency: <0.001%). Predicted Consequence/Location: Frameshift: predicted to result in a loss or disruption of normal protein function through nonsense-mediated decay (NMD) or protein truncation. Multiple pathogenic variants are reported downstream of the variant. The variant has been reported at least twice as pathogenic without evidence for the classification (ClinVar ID: VCV001048001 /PMID: 29473190). Therefore, this variant is classified as Pathogenic according to the recommendation of ACMG/AMP guideline.

Natera, Inc.
Classification: Pathogenic for Dystrophic epidermolysis bullosa. Last evaluated: 2024-08-12. Review status: criteria provided, single submitter. Criteria: Natera Variant Classification Schema (03/2026). Collection method: clinical testing. Allele origin: germline.
Comment: The c.2783_2784insGACAC variant in COL7A1 is a frameshift variant predicted to shift the reading frame beginning at codon 929 and leads to a stop codon 6 codons downstream. This variant is expected to result in nonsense mediated decay, truncation, or a dysfunctional protein product. This variant is rare in the general population with a frequency below the threshold expected for the associated phenotype(s). This variant has been observed in one or more individuals affected with the associated recessive disease, as either homozygous or compound heterozygous with a second variant (PMID: 29473190). Given the available evidence, this variant is classified as Pathogenic.

Laboratorio de Genetica e Diagnostico Molecular, Hospital Israelita Albert Einstein
Classification: Pathogenic for Generalized dominant dystrophic epidermolysis bullosa; Recessive dystrophic epidermolysis bullosa. Last evaluated: 2022-01-28. Review status: criteria provided, single submitter. Criteria: ACMG Guidelines, 2015. Collection method: clinical testing. Allele origin: germline. Affected: yes.
Comment: ACMG classification criteria: PVS1 very strong, PS4 moderate, PM2 moderate, PM3 supporting

Biomedical Innovation Departament, CIEMAT
Classification: Pathogenic for Dystrophic epidermolysis bullosa. Last evaluated: 2019-03-14. Review status: criteria provided, single submitter. Criteria: ACMG Guidelines, 2015. Collection method: research. Allele origin: germline. Affected: yes. Observed: 3 variant alleles.

Literature cited by the submitters: PubMed 16971478 (cited by Labcorp Genetics (formerly Invitae), Labcorp); PubMed 29473190 (cited by 4 submitters); PubMed 31001817 (cited by Labcorp Genetics (formerly Invitae), Labcorp).